The following is an entry in ClinVar:

ClinVar aggregate classification (germline): Uncertain significance (1 of 4 stars; one submission).

Allele frequency attached by ClinVar (database versions not stated): gnomAD exomes 0.00001 and 0.00002; gnomAD 0.00002; TOPMed 0.00005.
gnomAD v4.1: 8 of 1,613,834 alleles (0.0005%); highest among the groups gnomAD compares: Admixed American, 0.013%; no homozygotes.

Submission:

Labcorp Genetics (formerly Invitae), Labcorp
Classification: Uncertain significance. Last evaluated: 2024-01-29. Review status: criteria provided, single submitter. Criteria: Invitae Variant Classification Sherloc (09022015). Collection method: clinical testing. Allele origin: germline.
Comment: This sequence change replaces alanine, which is neutral and non-polar, with threonine, which is neutral and polar, at codon 490 of the SLC1A2 protein (p.Ala490Thr). This variant is present in population databases (no rsID available, gnomAD 0.01%). This variant has not been reported in the literature in individuals affected with SLC1A2-related conditions. ClinVar contains an entry for this variant (Variation ID: 1524999). Advanced modeling of protein sequence and biophysical properties (such as structural, functional, and spatial information, amino acid conservation, physicochemical variation, residue mobility, and thermodynamic stability) performed at Invitae indicates that this missense variant is not expected to disrupt SLC1A2 protein function with a negative predictive value of 80%. In summary, the available evidence is currently insufficient to determine the role of this variant in disease. Therefore, it has been classified as a Variant of Uncertain Significance.

NM_004171.4(SLC1A2):c.1468G>A (p.Ala490Thr)

Gene: SLC1A2 (solute carrier family 1 member 2; minus strand). Cytogenetic location: 11p13.
Variant type: single nucleotide variant.
Coding change: c.1468G>A on transcript NM_004171.4 (MANE Select); coding-DNA position 1468, G replaced by A.
Protein change: p.Ala490Thr; replaces alanine 490 with threonine.
Molecular consequence: missense variant.
Genome position (GRCh38, 1-based): chr11:35,265,712, C>T on the plus strand (G>A on the coding strand, the complement: SLC1A2 is on the minus strand). VCF-style: chr11-35265712-C-T. GRCh37 (hg19) VCF-style: chr11-35287259-C-T.
Other names: c.1441G>A, p.Ala481Thr (NM_001195728.3, NM_001252652.2); short protein forms A481T, A490T.
Identifiers: ClinVar variation 1524999 (VCV001524999.8), dbSNP rs1292235818, ClinGen allele CA380119017.